The following is an entry in ClinVar:

NM_024665.7(TBL1XR1):c.1514dup (p.Ser506fs)

Gene: TBL1XR1 (TBL1X/Y related 1; minus strand). Cytogenetic location: 3q26.32.
Variant type: Duplication.
Coding change: c.1514dup on transcript NM_024665.7 (MANE Select); coding-DNA position 1514, one base duplicated (G; older notation c.1514dupG).
Protein change: p.Ser506fs; shifts the reading frame from serine 506.
Molecular consequence: frameshift variant.
Genome position (GRCh38, 1-based): chr3:177,026,377, C duplicated on the plus strand (G on the coding strand, the reverse complement: TBL1XR1 is on the minus strand); the first of 2 consecutive C bases (chr3:177,026,377-177,026,378); duplicating either gives the same sequence. VCF-style (leftmost placement, unchanged base first): chr3-177026376-A-AC. GRCh37 (hg19) VCF-style: chr3-176744164-A-AC.
Other names: c.1514dup, p.Ser506fs (NM_001321193.3, NM_001321194.3, NM_001374327.1 and 2 more transcripts); c.1253dup, p.Ser419fs (NM_001321195.3, NM_001374330.1); short protein forms S419fs, S506fs.
Identifiers: ClinVar variation 5008838 (VCV005008838.1).

ClinVar aggregate classification (germline): Uncertain significance (1 of 4 stars; one submission).

Submission:

GeneDx
Classification: Uncertain significance. Last evaluated: 2026-03-08. Review status: criteria provided, single submitter. Criteria: GeneDx Variant Classification Process June 2021. Collection method: clinical testing. Allele origin: germline.
Comment: Not observed at significant frequency in large population cohorts (gnomAD); Frameshift variant predicted to result in abnormal protein length as the last 9 amino acid(s) are replaced with 50 different amino acid(s); Has not been previously published as pathogenic or benign to our knowledge